The following is an entry in ClinVar:

NM_001130965.3(SUN1):c.1747A>G (p.Ser583Gly)

Gene: SUN1 (Sad1 and UNC84 domain containing 1; plus strand). Cytogenetic location: 7p22.3.
Variant type: single nucleotide variant.
Coding change: c.1747A>G on transcript NM_001130965.3 (MANE Select); coding-DNA position 1747, A replaced by G.
Protein change: p.Ser583Gly; replaces serine 583 with glycine.
Molecular consequence: missense variant. On other transcripts: non-coding transcript variant (3).
Genome position (GRCh38, 1-based): chr7:860,350, A>G. VCF-style: chr7-860350-A-G. GRCh37 (hg19) VCF-style: chr7-899987-A-G.
Other names: c.1855A>G, p.Ser619Gly (NM_001367638.1); c.1288A>G, p.Ser430Gly (NM_001367639.1); c.1927A>G, p.Ser643Gly (NM_001367640.1); c.2029A>G, p.Ser677Gly (NM_001367641.1, NM_001367682.1); c.1732A>G, p.Ser578Gly (NM_001367642.1); c.1939A>G, p.Ser647Gly (NM_001367643.1); c.1678A>G, p.Ser560Gly (NM_001367644.1); c.1795A>G, p.Ser599Gly (NM_001367645.1, NM_001367681.1); and 43 more; short protein forms S592G, S597G, S598G, S626G, S627G, S633G, S643G, S653G.
Identifiers: ClinVar variation 659305 (VCV000659305.8), dbSNP rs200128195, ClinGen allele CA4112344.
Genomic context (GRCh38, chr7:860,350, plus strand): 5'-ACCCACCACGTTTCCGTGACCAAGCAGCTCCCAACCTCAGAAGCCGTGGTGTCTGCTGTG[A>G]GCGAGGCGGGGGCGTCTGGAATAACAGAGGCGGTGAGTCGGCGAGTCGGCGGCAAGAGAT-3'
Protein context (NP_001124437.1, residues 573-593): PTSEAVVSAV[Ser583Gly]EAGASGITEA

ClinVar aggregate classification (germline): Uncertain significance (1 of 4 stars; one submission).

Conditions:
Emery-Dreifuss muscular dystrophy (EDMD). Also called: Scapuloperoneal syndrome, X-linked (formerly); Humeroperoneal neuromuscular disease, (formerly). Identifiers: Orphanet 261, MedGen C0410189, MONDO:0016830.

Allele frequency attached by ClinVar (database versions not stated): gnomAD exomes 0.00005 and 0.00010; ExAC 0.00006; TOPMed 0.00007; ESP Exome Variant Server 0.00008; gnomAD 0.00008 and 0.00009.
gnomAD v4.1: 163 of 1,614,030 alleles (0.01%); highest among the groups gnomAD compares: Non-Finnish European, 0.013%; no homozygotes.

Submission:

Labcorp Genetics (formerly Invitae), Labcorp
Classification: Uncertain significance for Emery-Dreifuss muscular dystrophy. Last evaluated: 2024-12-31. Review status: criteria provided, single submitter. Criteria: Invitae Variant Classification Sherloc (09022015). Collection method: clinical testing. Allele origin: germline.
Comment: This sequence change replaces serine, which is neutral and polar, with glycine, which is neutral and non-polar, at codon 583 of the SUN1 protein (p.Ser583Gly). This variant is present in population databases (rs200128195, gnomAD 0.01%). This variant has not been reported in the literature in individuals affected with SUN1-related conditions. ClinVar contains an entry for this variant (Variation ID: 659305). An algorithm developed to predict the effect of missense changes on protein structure and function (PolyPhen-2) suggests that this variant is likely to be tolerated. In summary, the available evidence is currently insufficient to determine the role of this variant in disease. Therefore, it has been classified as a Variant of Uncertain Significance.